The following is an entry in ClinVar:

ClinVar aggregate classification (germline): Uncertain significance. Review status: criteria provided, multiple submitters, no conflicts (2 of 4 stars). 2 submissions from 2 submitters: Uncertain significance (2). Last evaluated 2025-03-20.

Conditions:
Charcot-Marie-Tooth disease axonal type 2P. Also called: Charcot-Marie-Tooth Neuropathy Type 2G; CHARCOT-MARIE-TOOTH NEUROPATHY, TYPE 2P; CHARCOT-MARIE-TOOTH DISEASE, AXONAL, TYPE 2G; CMT 2G. Identifiers: Orphanet 300319, Orphanet 99941, MedGen C3280797, MONDO:0013753, OMIM 614436.
Inborn genetic diseases. Identifiers: MedGen C0950123, MeSH D030342.

Allele frequency attached by ClinVar (database versions not stated): ExAC 0.00002; gnomAD exomes 0.00003 and 0.00004; gnomAD 0.00004; ESP Exome Variant Server 0.00008; TOPMed 0.00008.
gnomAD v4.1: 44 of 1,612,130 alleles (0.0027%); highest among the groups gnomAD compares: Admixed American, 0.028%; no homozygotes.

Submissions (2):

Labcorp Genetics (formerly Invitae), Labcorp
Classification: Uncertain significance for Charcot-Marie-Tooth disease axonal type 2P. Last evaluated: 2025-03-20. Review status: criteria provided, single submitter. Criteria: Invitae Variant Classification Sherloc (09022015). Collection method: clinical testing. Allele origin: germline.
Comment: This sequence change replaces isoleucine, which is neutral and non-polar, with methionine, which is neutral and non-polar, at codon 635 of the LRSAM1 protein (p.Ile635Met). This variant is present in population databases (rs369161790, gnomAD 0.04%). This variant has not been reported in the literature in individuals affected with LRSAM1-related conditions. ClinVar contains an entry for this variant (Variation ID: 658368). Invitae Evidence Modeling of protein sequence and biophysical properties (such as structural, functional, and spatial information, amino acid conservation, physicochemical variation, residue mobility, and thermodynamic stability) indicates that this missense variant is not expected to disrupt LRSAM1 protein function with a negative predictive value of 80%. In summary, the available evidence is currently insufficient to determine the role of this variant in disease. Therefore, it has been classified as a Variant of Uncertain Significance.

Ambry Genetics
Classification: Uncertain significance for Inborn genetic diseases. Last evaluated: 2022-07-05. Review status: criteria provided, single submitter. Criteria: Ambry Variant Classification Scheme 2023. Collection method: clinical testing. Allele origin: germline.

NM_001005373.4(LRSAM1):c.1905C>G (p.Ile635Met)

Gene: LRSAM1 (leucine rich repeat and sterile alpha motif containing 1; plus strand). Cytogenetic location: 9q33.3.
Variant type: single nucleotide variant.
Coding change: c.1905C>G on transcript NM_001005373.4 (MANE Select); coding-DNA position 1905, C replaced by G.
Protein change: p.Ile635Met; replaces isoleucine 635 with methionine.
Molecular consequence: missense variant. On other transcripts: non-coding transcript variant (2).
Genome position (GRCh38, 1-based): chr9:127,497,327, C>G. VCF-style: chr9-127497327-C-G. GRCh37 (hg19) VCF-style: chr9-130259606-C-G.
Other names: c.1905C>G (NM_138361.4); c.1905C>G, p.Ile635Met (NM_001005374.4, NM_001384142.1, NM_138361.5); c.1824C>G, p.Ile608Met (NM_001190723.3); c.1806C>G, p.Ile602Met (NM_001384143.1); c.1116C>G, p.Ile372Met (NM_001384144.1); short protein forms I608M, I635M, I372M, I602M.
Identifiers: ClinVar variation 658368 (VCV000658368.12), dbSNP rs369161790, ClinGen allele CA5247172.